The following is an entry in ClinVar:

NM_004204.5(PIGQ):c.1568G>A (p.Gly523Asp)

Gene: PIGQ (phosphatidylinositol glycan anchor biosynthesis class Q; plus strand). Cytogenetic location: 16p13.3.
Variant type: single nucleotide variant.
Coding change: c.1568G>A on transcript NM_004204.5 (MANE Select); coding-DNA position 1568, G replaced by A.
Protein change: p.Gly523Asp; replaces glycine 523 with aspartic acid.
Molecular consequence: missense variant. On other transcripts: intron variant (1).
Genome position (GRCh38, 1-based): chr16:582,284, G>A. VCF-style: chr16-582284-G-A. GRCh37 (hg19) VCF-style: chr16-632284-G-A.
Other names: c.1532-599G>A (NM_148920.4); short protein forms G523D.
Identifiers: ClinVar variation 456036 (VCV000456036.15), dbSNP rs117537178, ClinGen allele CA7780445.
Genomic context (GRCh38, chr16:582,284, plus strand): 5'-GTCAGCCGCTTGCTATCCTTGCAGCTGGCGTGAAGTTCCGTGTCCTCCGGCACGAGGCCG[G>A]CAGGCCCCTCCGCCTCCTGATGCAGGTGAGGCCCCTTGTGGCCAGGACGCCCCTACGCTG-3'
Protein context (NP_004195.2, residues 513-533): VKFRVLRHEA[Gly523Asp]RPLRLLMQIN

ClinVar aggregate classification (germline): Benign. Review status: criteria provided, multiple submitters, no conflicts (2 of 4 stars). 3 submissions from 3 submitters: Benign (2). 1 of the submissions does not count toward it. Last evaluated 2026-02-02.

Conditions:
Epilepsy. Also called: Seizure disorder. Identifiers: MedGen C0014544, MeSH D004827, MONDO:0005027.
PIGQ-related disorder. Also called: PIGQ-related condition.

Allele frequency attached by ClinVar (database versions not stated): ESP Exome Variant Server 0.00015; gnomAD 0.00249 and 0.00313; TOPMed 0.00413; gnomAD exomes 0.00576; ExAC 0.00616; 1000 Genomes Project 0.00998; 1000 Genomes Project 30x 0.01015.

Submissions (3):

Labcorp Genetics (formerly Invitae), Labcorp
Classification: Benign for Epilepsy. Last evaluated: 2026-02-02. Review status: criteria provided, single submitter. Criteria: Invitae Variant Classification Sherloc (09022015). Collection method: clinical testing. Allele origin: germline.

Breakthrough Genomics
Classification: Benign. Review status: criteria provided, single submitter. Criteria: ACMG Guidelines, 2015. Collection method: not provided. Allele origin: germline. Inheritance: Autosomal recessive inheritance. Affected: yes.

PreventionGenetics, part of Exact Sciences
Classification: Benign for PIGQ-related condition. Last evaluated: 2019-04-17. Review status: no assertion criteria provided. Collection method: clinical testing. Allele origin: germline. Not counted in ClinVar's aggregate classification.
Comment: This variant is classified as benign based on ACMG/AMP sequence variant interpretation guidelines (Richards et al. 2015 PMID: 25741868, with internal and published modifications).